The following is an entry in ClinVar:

ClinVar aggregate classification (germline): Uncertain significance. Review status: criteria provided, multiple submitters, no conflicts (2 of 4 stars). 2 submissions from 2 submitters: Uncertain significance (2). Last evaluated 2025-08-06.

Conditions:
Cardiovascular phenotype. Identifiers: MedGen CN230736.
Hereditary cancer-predisposing syndrome. Also called: Neoplastic Syndromes, Hereditary; Tumor predisposition; Hereditary Cancer Syndrome; Hereditary neoplastic syndrome. Identifiers: Orphanet 140162, MedGen C0027672, MeSH D009386, MONDO:0015356.

Submissions (2):

Labcorp Genetics (formerly Invitae), Labcorp
Classification: Uncertain significance. Last evaluated: 2025-08-06. Review status: criteria provided, single submitter. Criteria: Invitae Variant Classification Sherloc (09022015). Collection method: clinical testing. Allele origin: germline.
Comment: This sequence change replaces serine, which is neutral and polar, with arginine, which is basic and polar, at codon 69 of the LZTR1 protein (p.Ser69Arg). This variant is not present in population databases (gnomAD no frequency). This variant has not been reported in the literature in individuals affected with LZTR1-related conditions. ClinVar contains an entry for this variant (Variation ID: 1713293). Invitae Evidence Modeling of protein sequence and biophysical properties (such as structural, functional, and spatial information, amino acid conservation, physicochemical variation, residue mobility, and thermodynamic stability) indicates that this missense variant is not expected to disrupt LZTR1 protein function with a negative predictive value of 80%. In summary, the available evidence is currently insufficient to determine the role of this variant in disease. Therefore, it has been classified as a Variant of Uncertain Significance.

Ambry Genetics
Classification: Uncertain significance for Cardiovascular phenotype; Hereditary cancer-predisposing syndrome. Last evaluated: 2025-03-31. Review status: criteria provided, single submitter. Criteria: Ambry Variant Classification Scheme 2023. Collection method: clinical testing. Allele origin: germline.
Comment: The p.S69R variant (also known as c.207C>G), located in coding exon 2 of the LZTR1 gene, results from a C to G substitution at nucleotide position 207. The serine at codon 69 is replaced by arginine, an amino acid with dissimilar properties. This amino acid position is highly conserved in available vertebrate species. In addition, this alteration is predicted to be deleterious by in silico analysis. Based on the available evidence, the clinical significance of this variant remains unclear.

NM_006767.4(LZTR1):c.207C>G (p.Ser69Arg)

Gene: LZTR1 (leucine zipper like post translational regulator 1; plus strand). Cytogenetic location: 22q11.21.
Variant type: single nucleotide variant.
Coding change: c.207C>G on transcript NM_006767.4 (MANE Select); coding-DNA position 207, C replaced by G.
Protein change: p.Ser69Arg; replaces serine 69 with arginine.
Molecular consequence: missense variant.
Genome position (GRCh38, 1-based): chr22:20,983,033, C>G. VCF-style: chr22-20983033-C-G. GRCh37 (hg19) VCF-style: chr22-21337322-C-G.
Other names: c.207C>G (NM_006767.3); short protein forms S69R.
Identifiers: ClinVar variation 1713293 (VCV001713293.7), dbSNP rs2518608550, ClinGen allele CA410778261.